The following is an entry in ClinVar:

NM_152296.5(ATP1A3):c.4G>C (p.Gly2Arg)

Genes: ATP1A3 (ATPase Na+/K+ transporting subunit alpha 3; minus strand), LOC130064543 (ATAC-STARR-seq lymphoblastoid silent region 10681; plus strand). Cytogenetic location: 19q13.2.
Variant type: single nucleotide variant.
Coding change: c.4G>C on transcript NM_152296.5 (MANE Select); coding-DNA position 4, G replaced by C.
Protein change: p.Gly2Arg; replaces glycine 2 with arginine.
Molecular consequence: missense variant.
Genome position (GRCh38, 1-based): chr19:41,994,073, C>G on the plus strand (G>C on the coding strand, the complement: ATP1A3 is on the minus strand). VCF-style: chr19-41994073-C-G. GRCh37 (hg19) VCF-style: chr19-42498225-C-G.
Other names: c.4G>C, p.Gly2Arg (NM_001256214.2); short protein forms G2R.
Identifiers: ClinVar variation 1523480 (VCV001523480.8), dbSNP rs2145995411, ClinGen allele CA406059985.
Genomic context (GRCh38, chr19:41,994,073, plus strand): 5'-AATGTCACCGGCCCCACAATGTCACACGGAAGCGGCGCCCAGCCGGCTCAGCACCTACCC[C>G]CATCTTGGCGGCTCCGCGGCGAGAGAGCCAGGCGGGCGGGGCGGGGACCTCGGGGCGGGC-3'
Protein context (NP_689509.1, residues 1-12): M[Gly2Arg]DKKDDKDSPK

ClinVar aggregate classification (germline): Uncertain significance (1 of 4 stars; one submission).

Conditions:
Dystonia 12 (DYT12). Also called: Rapid-Onset Dystonia-Parkinsonism (RDP); DYT-ATP1A3. Identifiers: Orphanet 71517, MedGen C1868681, MONDO:0007496, OMIM 128235.

Submission:

Labcorp Genetics (formerly Invitae), Labcorp
Classification: Uncertain significance for Dystonia 12. Last evaluated: 2022-08-15. Review status: criteria provided, single submitter. Criteria: Invitae Variant Classification Sherloc (09022015). Collection method: clinical testing. Allele origin: germline.
Comment: In summary, the available evidence is currently insufficient to determine the role of this variant in disease. Therefore, it has been classified as a Variant of Uncertain Significance. Algorithms developed to predict the effect of missense changes on protein structure and function are either unavailable or do not agree on the potential impact of this missense change (SIFT: "Tolerated"; PolyPhen-2: "Not Available"; Align-GVGD: "Class C0"). ClinVar contains an entry for this variant (Variation ID: 1523480). This variant has not been reported in the literature in individuals affected with ATP1A3-related conditions. This variant is not present in population databases (gnomAD no frequency). This sequence change replaces glycine, which is neutral and non-polar, with arginine, which is basic and polar, at codon 2 of the ATP1A3 protein (p.Gly2Arg).